The following is an entry in ClinVar:

ClinVar aggregate classification (germline): Uncertain significance (1 of 4 stars; one submission).

Conditions:
Noonan syndrome (NS). Also called: Noonan's syndrome. Identifiers: Orphanet 648, MedGen C0028326, MeSH D009634, MONDO:0018997. Disease mechanism: gain of function.

Submission:

Labcorp Genetics (formerly Invitae), Labcorp
Classification: Uncertain significance for Noonan syndrome. Last evaluated: 2025-09-02. Review status: criteria provided, single submitter. Criteria: Invitae Variant Classification Sherloc (09022015). Collection method: clinical testing. Allele origin: germline.
Comment: This sequence change replaces glutamic acid, which is acidic and polar, with glutamine, which is neutral and polar, at codon 181 of the RRAS protein (p.Glu181Gln). This variant is not present in population databases (gnomAD no frequency). This variant has not been reported in the literature in individuals affected with RRAS-related conditions. ClinVar contains an entry for this variant (Variation ID: 1471792). An algorithm developed to predict the effect of missense changes on protein structure and function (PolyPhen-2) suggests that this variant is likely to be tolerated. In summary, the available evidence is currently insufficient to determine the role of this variant in disease. Therefore, it has been classified as a Variant of Uncertain Significance.

NM_006270.5(RRAS):c.541G>C (p.Glu181Gln)

Gene: RRAS (RAS related; minus strand). Cytogenetic location: 19q13.33.
Variant type: single nucleotide variant.
Coding change: c.541G>C on transcript NM_006270.5 (MANE Select); coding-DNA position 541, G replaced by C.
Protein change: p.Glu181Gln; replaces glutamic acid 181 with glutamine.
Molecular consequence: missense variant.
Genome position (GRCh38, 1-based): chr19:49,635,765, C>G on the plus strand (G>C on the coding strand, the complement: RRAS is on the minus strand). VCF-style: chr19-49635765-C-G. GRCh37 (hg19) VCF-style: chr19-50139022-C-G.
Other names: short protein forms E181Q.
Identifiers: ClinVar variation 1471792 (VCV001471792.6), dbSNP rs1428526675, ClinGen allele CA406845687.